The following is an entry in ClinVar:

NM_024721.5(ZFHX4):c.3963A>G (p.Ser1321=)

Gene: ZFHX4 (zinc finger homeobox 4; plus strand). Cytogenetic location: 8q21.13.
Variant type: single nucleotide variant.
Coding change: c.3963A>G on transcript NM_024721.5 (MANE Select); coding-DNA position 3963, A replaced by G.
Protein change: p.Ser1321=; no amino-acid change (serine 1321 retained).
Molecular consequence: synonymous variant.
Genome position (GRCh38, 1-based): chr8:76,850,361, A>G. VCF-style: chr8-76850361-A-G. GRCh37 (hg19) VCF-style: chr8-77762597-A-G.
Other names: NC_000008.10:g.77762597A>G; c.3885A>G, p.Ser1295= (NM_001410934.1).
Identifiers: ClinVar variation 3900318 (VCV003900318.2).

ClinVar aggregate classification (germline): Uncertain significance (1 of 4 stars; one submission).

gnomAD v4.1: 146 of 1,607,022 alleles (0.0091%); highest among the groups gnomAD compares: Non-Finnish European, 0.012%; no homozygotes.

Submissions (2):

GeneDx
Classification: Uncertain significance. Last evaluated: 2024-02-07. Review status: criteria provided, single submitter. Criteria: GeneDx Variant Classification Process June 2021. Collection method: clinical testing. Allele origin: germline. Affected: yes.
Comment: In silico analysis supports that this variant does not alter splicing; Has not been previously published as pathogenic or benign to our knowledge; Variants in candidate genes are classified as variants of uncertain significance in accordance with ACMG guidelines (PMID: 25741868)

Dr. Peter K. Rogan Lab, Western University
No classification provided (evidence only). Condition: Ovarian cancer. Review status: no classification provided. Collection method: in vitro. Allele origin: not applicable. Functional consequence: retained intron. Not counted in ClinVar's aggregate classification.